The following is an entry in ClinVar:

ClinVar aggregate classification (germline): Uncertain significance (1 of 4 stars; one submission).

Allele frequency attached by ClinVar (database versions not stated): gnomAD 0.00001; gnomAD exomes 0.00001; TOPMed 0.00001; ExAC 0.00002.

Submission:

Labcorp Genetics (formerly Invitae), Labcorp
Classification: Uncertain significance. Last evaluated: 2023-11-07. Review status: criteria provided, single submitter. Criteria: Invitae Variant Classification Sherloc (09022015). Collection method: clinical testing. Allele origin: germline.
Comment: This sequence change replaces methionine, which is neutral and non-polar, with valine, which is neutral and non-polar, at codon 186 of the WNT4 protein (p.Met186Val). This variant is present in population databases (rs747379070, gnomAD 0.007%). This variant has not been reported in the literature in individuals affected with WNT4-related conditions. Advanced modeling of protein sequence and biophysical properties (such as structural, functional, and spatial information, amino acid conservation, physicochemical variation, residue mobility, and thermodynamic stability) performed at Invitae indicates that this missense variant is not expected to disrupt WNT4 protein function with a negative predictive value of 80%. In summary, the available evidence is currently insufficient to determine the role of this variant in disease. Therefore, it has been classified as a Variant of Uncertain Significance.

NM_030761.5(WNT4):c.556A>G (p.Met186Val)

Gene: WNT4 (Wnt family member 4; minus strand). Cytogenetic location: 1p36.12.
Variant type: single nucleotide variant.
Coding change: c.556A>G on transcript NM_030761.5 (MANE Select); coding-DNA position 556, A replaced by G.
Protein change: p.Met186Val; replaces methionine 186 with valine.
Molecular consequence: missense variant.
Genome position (GRCh38, 1-based): chr1:22,121,243, T>C on the plus strand (A>G on the coding strand, the complement: WNT4 is on the minus strand). VCF-style: chr1-22121243-T-C. GRCh37 (hg19) VCF-style: chr1-22447736-T-C.
Other names: short protein forms M186V.
Identifiers: ClinVar variation 2817004 (VCV002817004.3), dbSNP rs747379070, ClinGen allele CA675334.